The following is an entry in ClinVar:

NM_001943.5(DSG2):c.1166A>T (p.Lys389Ile)

Gene: DSG2 (desmoglein 2; plus strand). Cytogenetic location: 18q12.1.
Variant type: single nucleotide variant.
Coding change: c.1166A>T on transcript NM_001943.5 (MANE Select); coding-DNA position 1166, A replaced by T.
Protein change: p.Lys389Ile; replaces lysine 389 with isoleucine.
Molecular consequence: missense variant.
Genome position (GRCh38, 1-based): chr18:31,531,138, A>T. VCF-style: chr18-31531138-A-T. GRCh37 (hg19) VCF-style: chr18-29111101-A-T.
Other names: short protein forms K389I.
Identifiers: ClinVar variation 1721224 (VCV001721224.5), dbSNP rs2510915373, ClinGen allele CA402138960.

ClinVar aggregate classification (germline): Uncertain significance (1 of 4 stars; one submission).

Conditions:
Arrhythmogenic right ventricular dysplasia 10. Also called: Arrhythmogenic Right Ventricular Dysplasia/Cardiomyopathy10; Arrhythmogenic right ventricular dysplasia/cardiomyopathy, type 10; ARRHYTHMOGENIC RIGHT VENTRICULAR DYSPLASIA, FAMILIAL, 10. Identifiers: MedGen C1857777, MONDO:0012434, OMIM 610193.

Submission:

Labcorp Genetics (formerly Invitae), Labcorp
Classification: Uncertain significance for Arrhythmogenic right ventricular dysplasia 10. Last evaluated: 2022-10-08. Review status: criteria provided, single submitter. Criteria: Invitae Variant Classification Sherloc (09022015). Collection method: clinical testing. Allele origin: germline.
Comment: In summary, the available evidence is currently insufficient to determine the role of this variant in disease. Therefore, it has been classified as a Variant of Uncertain Significance. Advanced modeling of protein sequence and biophysical properties (such as structural, functional, and spatial information, amino acid conservation, physicochemical variation, residue mobility, and thermodynamic stability) performed at Invitae indicates that this missense variant is not expected to disrupt DSG2 protein function. This variant has not been reported in the literature in individuals affected with DSG2-related conditions. This variant is not present in population databases (gnomAD no frequency). This sequence change replaces lysine, which is basic and polar, with isoleucine, which is neutral and non-polar, at codon 389 of the DSG2 protein (p.Lys389Ile).